The following is an entry in ClinVar:

NM_001378328.1(CELSR1):c.3666G>A (p.Pro1222=)

Gene: CELSR1 (cadherin EGF LAG seven-pass G-type receptor 1; minus strand). Cytogenetic location: 22q13.31.
Variant type: single nucleotide variant.
Coding change: c.3666G>A on transcript NM_001378328.1 (MANE Select); coding-DNA position 3666, G replaced by A.
Protein change: p.Pro1222=; no amino-acid change (proline 1222 retained).
Molecular consequence: synonymous variant.
Genome position (GRCh38, 1-based): chr22:46,464,224, C>T on the plus strand (G>A on the coding strand, the complement: CELSR1 is on the minus strand). VCF-style: chr22-46464224-C-T. GRCh37 (hg19) VCF-style: chr22-46860121-C-T.
Other names: c.3666G>A, p.Pro1222= (NM_014246.4).
Identifiers: ClinVar variation 4822750 (VCV004822750.4).

ClinVar aggregate classification (germline): Likely benign (1 of 4 stars; one submission).

gnomAD v4.1: 13 of 1,613,648 alleles (0.00081%); highest among the groups gnomAD compares: African/African-American, 0.0093%; no homozygotes.

Submission:

CeGaT Center for Human Genetics Tuebingen
Classification: Likely benign. Last evaluated: 2026-03-01. Review status: criteria provided, single submitter. Criteria: CeGaT Center For Human Genetics Tuebingen Variant Classification Criteria Version 2. Collection method: clinical testing. Allele origin: germline. Affected: yes. Observed: 1 variant allele.
Comment: CELSR1: BP4, BP7